The following is an entry in ClinVar:

NM_000293.3(PHKB):c.594+1G>A

Gene: PHKB (phosphorylase kinase regulatory subunit beta; plus strand). Cytogenetic location: 16q12.1.
Variant type: single nucleotide variant.
Coding change: c.594+1G>A on transcript NM_000293.3 (MANE Select); the canonical splice donor site of the intron after coding-DNA position 594, G replaced by A.
Molecular consequence: splice donor variant.
Genome position (GRCh38, 1-based): chr16:47,515,602, G>A. VCF-style: chr16-47515602-G-A. GRCh37 (hg19) VCF-style: chr16-47549513-G-A.
Other names: c.594+1G>A (NM_001363837.1); c.573+1G>A (NM_001031835.3).
Identifiers: ClinVar variation 3255028 (VCV003255028.3), dbSNP rs2548342446.

ClinVar aggregate classification (germline): Conflicting classifications of pathogenicity. Review status: criteria provided, conflicting classifications (1 of 4 stars). 2 submissions from 2 submitters: Likely pathogenic (1); Uncertain significance (1). Last evaluated 2024-07-22.

Conditions:
Glycogen storage disease IXb (GSD9B). Also called: GLYCOGENOSIS OF LIVER AND MUSCLE, AUTOSOMAL RECESSIVE; GSD IXb; PHOSPHORYLASE KINASE DEFICIENCY OF LIVER AND MUSCLE, AUTOSOMAL RECESSIVE. Identifiers: Orphanet 79240, MedGen C0543514, MONDO:0009868, OMIM 261750.

Submissions (2):

Labcorp Genetics (formerly Invitae), Labcorp
Classification: Likely pathogenic for Glycogen storage disease IXb. Last evaluated: 2024-07-22. Review status: criteria provided, single submitter. Criteria: Invitae Variant Classification Sherloc (09022015). Collection method: clinical testing. Allele origin: germline.
Comment: This sequence change affects a donor splice site in intron 6 of the PHKB gene. It is expected to disrupt RNA splicing. Variants that disrupt the donor or acceptor splice site typically lead to a loss of protein function (PMID: 16199547), and loss-of-function variants in PHKB are known to be pathogenic (PMID: 9215682, 9326319). This variant is not present in population databases (gnomAD no frequency). This variant has not been reported in the literature in individuals affected with PHKB-related conditions. Algorithms developed to predict the effect of sequence changes on RNA splicing suggest that this variant may disrupt the consensus splice site. In summary, the currently available evidence indicates that the variant is pathogenic, but additional data are needed to prove that conclusively. Therefore, this variant has been classified as Likely Pathogenic.

Victorian Clinical Genetics Services, Murdoch Childrens Research Institute
Classification: Uncertain significance for Glycogen storage disease IXb. Last evaluated: 2023-12-21. Review status: criteria provided, single submitter. Criteria: ACMG Guidelines, 2015. Collection method: clinical testing. Allele origin: germline. Inheritance: Autosomal recessive inheritance.
Comment: Based on the classification scheme VCGS_Germline_v1.3.4, this variant is classified as VUS-3A. Following criteria are met: 0102 - Loss of function is a known mechanism of disease in this gene and is associated with phosphorylase kinase deficiency of liver and muscle, (MIM#261750). (I) 0106 - This gene is associated with autosomal recessive disease. (I) 0211 - Canonical splice site variant without proven consequence on splicing (no functional evidence available). (SP) 0252 - This variant is homozygous. (I) 0301 - Variant is absent from gnomAD (both v2 and v3). (SP) 0508 - In silico predictions for abnormal splicing are conflicting. (I) 0705 - No comparable canonical splice variants have previous evidence for pathogenicity. (I) 0807 - This variant has no previous evidence of pathogenicity. (I) 0905 - No published segregation evidence has been identified for this variant. (I) 1007 - No published functional evidence has been identified for this variant. (I) 1209 - This variant has been shown to be both maternally and paternally inherited (biallelic, by trio analysis). (I) Legend: (SP) - Supporting pathogenic, (I) - Information, (SB) - Supporting benign

Literature cited by the submitters: PubMed 16199547 (cited by Labcorp Genetics (formerly Invitae), Labcorp); PubMed 9215682 (cited by Labcorp Genetics (formerly Invitae), Labcorp); PubMed 9326319 (cited by Labcorp Genetics (formerly Invitae), Labcorp).